The following is an entry in ClinVar:

ClinVar aggregate classification (germline): Conflicting classifications of pathogenicity. Review status: criteria provided, conflicting classifications (1 of 4 stars). 2 submissions from 2 submitters: Pathogenic (1); Likely benign (1). Last evaluated 2024-06-26.

Conditions:
Gastrointestinal stromal tumor. Also called: Gastrointestinal stromal tumor, somatic; Gastrointestinal stroma tumor. Identifiers: Orphanet 44890, MedGen C0238198, MeSH D046152, MONDO:0011719, OMIM 606764, HP:0100723.
Hereditary cancer-predisposing syndrome. Also called: Neoplastic Syndromes, Hereditary; Hereditary Cancer Syndrome; Hereditary neoplastic syndrome; Tumor predisposition. Identifiers: Orphanet 140162, MedGen C0027672, MeSH D009386, MONDO:0015356.

Submissions (2):

Labcorp Genetics (formerly Invitae), Labcorp
Classification: Pathogenic for Gastrointestinal stromal tumor. Last evaluated: 2024-06-26. Review status: criteria provided, single submitter. Criteria: Invitae Variant Classification Sherloc (09022015). Collection method: clinical testing. Allele origin: germline.
Comment: This sequence change creates a premature translational stop signal (p.Gln448*) in the KIT gene. It is expected to result in an absent or disrupted protein product. Loss-of-function variants in KIT are known to be pathogenic (PMID: 15194144). This variant is not present in population databases (gnomAD no frequency). This premature translational stop signal has been observed in individual(s) with piebaldism (PMID: 33155701). ClinVar contains an entry for this variant (Variation ID: 818900). For these reasons, this variant has been classified as Pathogenic.

Ambry Genetics
Classification: Likely benign for Hereditary cancer-predisposing syndrome. Last evaluated: 2019-07-17. Review status: criteria provided, single submitter. Criteria: Ambry Variant Classification Scheme 2023. Collection method: clinical testing. Allele origin: germline.

Literature cited by the submitters: PubMed 15194144 (cited by Labcorp Genetics (formerly Invitae), Labcorp); PubMed 33155701 (cited by Labcorp Genetics (formerly Invitae), Labcorp).

NM_000222.3(KIT):c.1342C>T (p.Gln448Ter)

Gene: KIT (KIT proto-oncogene, receptor tyrosine kinase; plus strand). Cytogenetic location: 4q12.
Variant type: single nucleotide variant.
Coding change: c.1342C>T on transcript NM_000222.3 (MANE Select); coding-DNA position 1342, C replaced by T.
Protein change: p.Gln448Ter; replaces glutamine 448 with a stop codon.
Molecular consequence: nonsense.
Genome position (GRCh38, 1-based): chr4:54,723,694, C>T. VCF-style: chr4-54723694-C-T. GRCh37 (hg19) VCF-style: chr4-55589860-C-T.
Other names: c.1342C>T, p.Gln448Ter (NM_001093772.2, NM_001385285.1, NM_001385286.1); c.1345C>T, p.Gln449Ter (NM_001385284.1, NM_001385288.1, NM_001385290.1 and 1 more transcripts); short protein forms Q448*, Q449*.
Identifiers: ClinVar variation 818900 (VCV000818900.6), dbSNP rs1577988952, ClinGen allele CA356905776.
Genomic context (GRCh38, chr4:54,723,694, plus strand): 5'-TGTGTGGCAGCAGGATTCCCAGAGCCCACAATAGATTGGTATTTTTGTCCAGGAACTGAG[C>T]AGAGGTGAGATGATTATTTTTGGCACTGCTTATAATGCAGAGGGGAAGGACTGCAATTCA-3'